The following is an entry in ClinVar:

NM_001267550.2(TTN):c.65275+14T>G

Genes: TTN-AS1 (TTN antisense RNA 1; plus strand), TTN (titin; minus strand). Cytogenetic location: 2q31.2.
Variant type: single nucleotide variant.
Coding change: c.65275+14T>G on transcript NM_001267550.2 (MANE Select); 14 bases into the intron after coding-DNA position 65275, T replaced by G.
Molecular consequence: intron variant.
Genome position (GRCh38, 1-based): chr2:178,584,262, A>C on the plus strand (T>G on the coding strand, the complement: TTN is on the minus strand). VCF-style: chr2-178584262-A-C. GRCh37 (hg19) VCF-style: chr2-179448989-A-C.
Other names: c.60352+14T>G (NM_001256850.1); c.38080+14T>G (NM_003319.4); c.38656+14T>G (NM_133437.4); c.38455+14T>G (NM_133432.3); c.57571+14T>G (NM_133378.4).
Identifiers: ClinVar variation 511564 (VCV000511564.3), dbSNP rs1291102348, ClinGen allele CA538436108.

ClinVar aggregate classification (germline): Likely benign. Review status: criteria provided, multiple submitters, no conflicts (2 of 4 stars). 2 submissions from 2 submitters: Likely benign (2). Last evaluated 2024-11-10.

Conditions:
Dilated cardiomyopathy 1G (CMD1G). Identifiers: Orphanet 154, MedGen C1858763, MONDO:0011400, OMIM 604145.
Autosomal recessive limb-girdle muscular dystrophy type 2J (LGMDR10). Also called: Limb-girdle muscular dystrophy, type 2J; MUSCULAR DYSTROPHY, LIMB-GIRDLE, AUTOSOMAL RECESSIVE 10. Identifiers: Orphanet 140922, MedGen C1837342, MONDO:0012127, OMIM 608807.

Allele frequency attached by ClinVar (database versions not stated): gnomAD exomes below 0.00001; gnomAD 0.00001; TOPMed 0.00002.
gnomAD v4.1: 3 of 1,532,868 alleles (0.0002%); highest among the groups gnomAD compares: Non-Finnish European, 0.00026%; no homozygotes.

Submissions (2):

Labcorp Genetics (formerly Invitae), Labcorp
Classification: Likely benign for Dilated cardiomyopathy 1G; Autosomal recessive limb-girdle muscular dystrophy type 2J. Last evaluated: 2024-11-10. Review status: criteria provided, single submitter. Criteria: Invitae Variant Classification Sherloc (09022015). Collection method: clinical testing. Allele origin: germline.

GeneDx
Classification: Likely benign. Last evaluated: 2017-08-16. Review status: criteria provided, single submitter. Criteria: GeneDx Variant Classification (06012015). Collection method: clinical testing. Allele origin: germline. Affected: yes.
Comment: This variant is considered likely benign or benign based on one or more of the following criteria: it is a conservative change, it occurs at a poorly conserved position in the protein, it is predicted to be benign by multiple in silico algorithms, and/or has population frequency not consistent with disease.